The following is an entry in ClinVar:

NM_004656.4(BAP1):c.1780_1781insT (p.Gly594fs)

Gene: BAP1 (BRCA1 associated deubiquitinase 1; minus strand). Cytogenetic location: 3p21.1.
Variant type: Insertion.
Coding change: c.1780_1781insT on transcript NM_004656.4 (MANE Select); coding-DNA positions 1780 to 1781, T inserted.
Protein change: p.Gly594fs; shifts the reading frame from glycine 594.
Molecular consequence: frameshift variant.
Genome position: GRCh38 VCF-style: chr3-52403247-C-CA. GRCh37 (hg19) VCF-style: chr3-52437263-C-CA.
Other names: c.1726_1727insT, p.Gly576fs (NM_001410772.1); short protein forms G576fs, G594fs.
Identifiers: ClinVar variation 3260355 (VCV003260355.2).

ClinVar aggregate classification (germline): Pathogenic. Review status: criteria provided, multiple submitters, no conflicts (2 of 4 stars). 2 submissions from 2 submitters: Pathogenic (2). Last evaluated 2024-05-15.

Conditions:
Hereditary cancer-predisposing syndrome. Also called: Tumor predisposition; Hereditary Cancer Syndrome; Hereditary neoplastic syndrome; Neoplastic Syndromes, Hereditary. Identifiers: Orphanet 140162, MedGen C0027672, MeSH D009386, MONDO:0015356.
BAP1-related disorder. Also called: BAP1-related condition.

Submissions (2):

Ambry Genetics
Classification: Pathogenic for Hereditary cancer-predisposing syndrome. Last evaluated: 2024-05-15. Review status: criteria provided, single submitter. Criteria: Ambry Variant Classification Scheme 2023. Collection method: clinical testing. Allele origin: germline.
Comment: The c.1780_1781insT variant, located in coding exon 14 of the BAP1 gene, results from an insertion of one nucleotide at position 1780, causing a translational frameshift with a predicted alternate stop codon (p.G594Vfs*49). This variant was reported in multiple individuals who met clinical criteria for BAP1-relatedtumor predisposition syndrome (BAP1-TPDS) (Repo P et al. Hum Mol Genet, 2019 Jul;28:2415-2426); (Turunen JA et al. Ophthalmology, 2016 May;123:1112-7); (Repo P et al. Lung Cancer, 2022 Mar;165:102-107). This variant is considered to be rare based on population cohorts in the Genome Aggregation Database (gnomAD). In addition to the clinical data presented in the literature, this alteration is expected to result in loss of function by premature protein truncation or nonsense-mediated mRNA decay. As such, this alteration is interpreted as a disease-causing mutation.

Blueprint Genetics
Classification: Pathogenic for BAP1-related disorders. Last evaluated: 2019-02-06. Review status: criteria provided, single submitter. Criteria: ACMG Guidelines, 2015. Collection method: clinical testing. Allele origin: germline. Affected: yes. Observed: 2 variant alleles.

Literature cited by the submitters: PubMed 26876698 (cited by Ambry Genetics); PubMed 31058963 (cited by Ambry Genetics); PubMed 35114507 (cited by Ambry Genetics).